The following is an entry in ClinVar:

NM_001042492.3(NF1):c.8113+86A>G

Gene: NF1 (neurofibromin 1; plus strand). Cytogenetic location: 17q11.2.
Variant type: single nucleotide variant.
Coding change: c.8113+86A>G on transcript NM_001042492.3 (MANE Select); 86 bases into the intron after coding-DNA position 8113, A replaced by G.
Molecular consequence: intron variant.
Genome position (GRCh38, 1-based): chr17:31,358,708, A>G. VCF-style: chr17-31358708-A-G. GRCh37 (hg19) VCF-style: chr17-29685726-A-G.
Other names: c.8050+86A>G (NM_000267.4).
Identifiers: ClinVar variation 3369840 (VCV003369840.5).

ClinVar aggregate classification (germline): Pathogenic/Likely pathogenic. Review status: criteria provided, multiple submitters, no conflicts (2 of 4 stars). 3 submissions from 3 submitters: Pathogenic (2); Likely pathogenic (1). Last evaluated 2026-04-23.

Conditions:
Neurofibromatosis, type 1 (NF1). Also called: Neurofibromatosis, type I; VON RECKLINGHAUSEN DISEASE; NEUROFIBROMATOSIS, TYPE I, SOMATIC; Peripheral type neurofibromatosis. Identifiers: Orphanet 636, MedGen C0027831, MONDO:0018975, OMIM 162200. Disease mechanism: loss of function.
Hereditary cancer-predisposing syndrome. Also called: Hereditary Cancer Syndrome; Hereditary neoplastic syndrome; Neoplastic Syndromes, Hereditary; Tumor predisposition. Identifiers: Orphanet 140162, MedGen C0027672, MeSH D009386, MONDO:0015356.
Cardiovascular phenotype. Identifiers: MedGen CN230736.

Submissions (3):

Ambry Genetics
Classification: Pathogenic for Cardiovascular phenotype; Hereditary cancer-predisposing syndrome. Last evaluated: 2026-04-23. Review status: criteria provided, single submitter. Criteria: Ambry Variant Classification Scheme 2023. Collection method: clinical testing. Allele origin: germline.
Comment: The c.8050+86A>G intronic pathogenic mutation results from an A to G substitution 86 nucleotides after coding exon 54 in the NF1 gene. This variant was reported in individual(s) with features consistent with neurofibromatosis type 1 (Evans DG et al. EBioMedicine, 2016 May;7:212-20; Koczkowska M et al. Hum Genet, 2023 Jul;142:849-861). In silico splice site analysis predicts that this alteration will result in the creation or strengthening of a novel splice donor site. RNA studies have demonstrated that this alteration results in a partial intron retention (Evans DG et al. EBioMedicine, 2016 May;7:212-20; Koczkowska M et al. Hum Genet, 2023 Jul;142:849-861; Ambry internal data). This variant is considered to be rare based on population cohorts in the Genome Aggregation Database (gnomAD). Based on the supporting evidence, this variant is interpreted as a disease-causing mutation.

GeneDx
Classification: Likely pathogenic. Last evaluated: 2026-01-14. Review status: criteria provided, single submitter. Criteria: GeneDx Variant Classification Process June 2021. Collection method: clinical testing. Allele origin: germline.
Comment: Published functional studies demonstrate a damaging effect on splicing (PMID: 37186028); In silico analysis suggests this variant may impact gene splicing. In the absence of RNA/functional studies, the actual effect of this sequence change is unknown.; This variant is associated with the following publications: (PMID: 37186028)

Institute for Clinical Genetics, University Hospital TU Dresden, University Hospital TU Dresden
Classification: Pathogenic for Neurofibromatosis, type 1. Last evaluated: 2024-11-19. Review status: criteria provided, single submitter. Criteria: ACMG Guidelines, 2015. Collection method: clinical testing. Allele origin: germline. Affected: yes.
Comment: The potential splice variant in the NF1 gene (NM_001042492.3:c.8113+86A>G, p.?) leads to a base exchange in the non-coding sequence of intron 55, resulting in defective splicing of the mRNA. Bioinformatic prediction algorithms to assess the effect on splicing efficiency estimate the variant as relevant (SpliceAI score DG 0.72, PMID: 30661751). Most likely, the activation of a cryptic splice site and intron retention would result in a reading frame shift and a termination of translation by a premature stop codon, so that the mRNA is prematurely degraded by nonsense mediated mRNA decay (NMD) and no protein is produced by the affected allele. An actual splicing effect has already been confirmed by functional studies, whereby it was shown that an additional 86 intronic base pairs were inserted, which should lead to a reading frame shift with a premature stop codon (PMID: 37186028). This variant has so far been listed once in the ClinVar database as a variant of unclear significance. The variant has been reported in the literature at least 7 times as a cause of disease in individuals with NF1 (PMIDs: 27322474, 37186028). This variant is not yet listed in the population database gnomAD v4.1.0. According to current ClinGen/ACMG recommendations for the assessment of splice variants (PMIDs 25741868, 36865205), the criteria PVS1, PS4_MOD, PM2_SUP and PP4 are fulfilled, resulting in an assessment as a pathogenic variant (ACMG class 5).

Literature cited by the submitters: PubMed 27322474 (cited by Ambry Genetics); PubMed 37186028 (cited by Ambry Genetics).